The following is an entry in ClinVar:

ClinVar aggregate classification (germline): Benign (1 of 4 stars; one submission).

Allele frequency attached by ClinVar (database versions not stated): TOPMed 0.11744; gnomAD 0.11969 and 0.12359; gnomAD exomes 0.13361; 1000 Genomes Project 30x 0.14397; 1000 Genomes Project 0.14696.
gnomAD v4.1: 80,661 of 615,294 alleles (13%); highest among the groups gnomAD compares: South Asian, 27%; 6,224 homozygotes.

Submission:

GeneDx
Classification: Benign. Last evaluated: 2018-06-20. Review status: criteria provided, single submitter. Criteria: GeneDx Variant Classification (06012015). Collection method: clinical testing. Allele origin: germline. Affected: yes.
Comment: This variant is considered likely benign or benign based on one or more of the following criteria: it is a conservative change, it occurs at a poorly conserved position in the protein, it is predicted to be benign by multiple in silico algorithms, and/or has population frequency not consistent with disease.

NM_003073.5(SMARCB1):c.795+203C>T

Gene: SMARCB1 (SWI/SNF related BAF chromatin remodeling complex subunit B1; plus strand). Cytogenetic location: 22q11.23.
Variant type: single nucleotide variant.
Coding change: c.795+203C>T on transcript NM_003073.5 (MANE Select); 203 bases into the intron after coding-DNA position 795, C replaced by T.
Molecular consequence: intron variant.
Genome position (GRCh38, 1-based): chr22:23,817,139, C>T. VCF-style: chr22-23817139-C-T. GRCh37 (hg19) VCF-style: chr22-24159326-C-T.
Other names: c.849+203C>T (NM_001362877.2); c.822+203C>T (NM_001317946.2); c.768+203C>T (NM_001007468.3).
Identifiers: ClinVar variation 677104 (VCV000677104.1), dbSNP rs2073394, ClinGen allele CA14993581.